The following is an entry in ClinVar:

ClinVar aggregate classification (germline): Uncertain significance. Review status: criteria provided, multiple submitters, no conflicts (2 of 4 stars). 2 submissions from 2 submitters: Uncertain significance (2). Last evaluated 2025-02-07.

Conditions:
Hereditary cancer-predisposing syndrome. Also called: Neoplastic Syndromes, Hereditary; Hereditary Cancer Syndrome; Hereditary neoplastic syndrome; Tumor predisposition. Identifiers: Orphanet 140162, MedGen C0027672, MeSH D009386, MONDO:0015356.
Cardiovascular phenotype. Identifiers: MedGen CN230736.
Neurofibromatosis, type 1 (NF1). Also called: VON RECKLINGHAUSEN DISEASE; Peripheral type neurofibromatosis; Neurofibromatosis, type I; NEUROFIBROMATOSIS, TYPE I, SOMATIC. Identifiers: Orphanet 636, MedGen C0027831, MONDO:0018975, OMIM 162200. Disease mechanism: loss of function.

Submissions (2):

Ambry Genetics
Classification: Uncertain significance for Cardiovascular phenotype; Hereditary cancer-predisposing syndrome. Last evaluated: 2025-02-07. Review status: criteria provided, single submitter. Criteria: Ambry Variant Classification Scheme 2023. Collection method: clinical testing. Allele origin: germline.
Comment: The p.Q786E variant (also known as c.2356C>G), located in coding exon 20 of the NF1 gene, results from a C to G substitution at nucleotide position 2356. The glutamine at codon 786 is replaced by glutamic acid, an amino acid with highly similar properties. This amino acid position is conserved. In addition, this alteration is predicted to be tolerated by in silico analysis. Based on the available evidence, the clinical significance of this variant remains unclear.

Labcorp Genetics (formerly Invitae), Labcorp
Classification: Uncertain significance for Neurofibromatosis, type 1. Last evaluated: 2023-10-27. Review status: criteria provided, single submitter. Criteria: Invitae Variant Classification Sherloc (09022015). Collection method: clinical testing. Allele origin: germline.
Comment: This sequence change replaces glutamine, which is neutral and polar, with glutamic acid, which is acidic and polar, at codon 786 of the NF1 protein (p.Gln786Glu). This variant is not present in population databases (gnomAD no frequency). This variant has not been reported in the literature in individuals affected with NF1-related conditions. Advanced modeling of protein sequence and biophysical properties (such as structural, functional, and spatial information, amino acid conservation, physicochemical variation, residue mobility, and thermodynamic stability) performed at Invitae indicates that this missense variant is not expected to disrupt NF1 protein function with a negative predictive value of 95%. In summary, the available evidence is currently insufficient to determine the role of this variant in disease. Therefore, it has been classified as a Variant of Uncertain Significance.

NM_001042492.3(NF1):c.2356C>G (p.Gln786Glu)

Gene: NF1 (neurofibromin 1; plus strand). Cytogenetic location: 17q11.2.
Variant type: single nucleotide variant.
Coding change: c.2356C>G on transcript NM_001042492.3 (MANE Select); coding-DNA position 2356, C replaced by G.
Protein change: p.Gln786Glu; replaces glutamine 786 with glutamic acid.
Molecular consequence: missense variant.
Genome position (GRCh38, 1-based): chr17:31,227,553, C>G. VCF-style: chr17-31227553-C-G. GRCh37 (hg19) VCF-style: chr17-29554571-C-G.
Other names: c.2356C>G, p.Gln786Glu (NM_000267.4); short protein forms Q786E.
Identifiers: ClinVar variation 2816913 (VCV002816913.4), dbSNP rs1555613999, ClinGen allele CA398983124.